The following is an entry in ClinVar:

NM_014003.4(DHX38):c.89A>G (p.Lys30Arg)

Gene: DHX38 (DEAH-box helicase 38; plus strand). Cytogenetic location: 16q22.2.
Variant type: single nucleotide variant.
Coding change: c.89A>G on transcript NM_014003.4 (MANE Select); coding-DNA position 89, A replaced by G.
Protein change: p.Lys30Arg; replaces lysine 30 with arginine.
Molecular consequence: missense variant.
Genome position (GRCh38, 1-based): chr16:72,096,246, A>G. VCF-style: chr16-72096246-A-G. GRCh37 (hg19) VCF-style: chr16-72130145-A-G.
Other names: short protein forms K30R.
Identifiers: ClinVar variation 1388268 (VCV001388268.7), dbSNP rs764293185, ClinGen allele CA8159868.

ClinVar aggregate classification (germline): Conflicting classifications of pathogenicity. Review status: criteria provided, conflicting classifications (1 of 4 stars). 2 submissions from 2 submitters: Uncertain significance (1); Likely benign (1). Last evaluated 2024-10-26.

Allele frequency attached by ClinVar (database versions not stated): gnomAD exomes 0.00003 and 0.00007; ExAC 0.00004; gnomAD 0.00005 and 0.00006; TOPMed 0.00005.
gnomAD v4.1: 45 of 1,614,036 alleles (0.0028%); highest among the groups gnomAD compares: East Asian, 0.018%; no homozygotes.

Submissions (2):

Labcorp Genetics (formerly Invitae), Labcorp
Classification: Uncertain significance. Last evaluated: 2024-10-26. Review status: criteria provided, single submitter. Criteria: Invitae Variant Classification Sherloc (09022015). Collection method: clinical testing. Allele origin: germline.
Comment: This sequence change replaces lysine, which is basic and polar, with arginine, which is basic and polar, at codon 30 of the DHX38 protein (p.Lys30Arg). This variant is present in population databases (rs764293185, gnomAD 0.05%). This variant has not been reported in the literature in individuals affected with DHX38-related conditions. ClinVar contains an entry for this variant (Variation ID: 1388268). An algorithm developed to predict the effect of missense changes on protein structure and function (PolyPhen-2) suggests that this variant¬†is likely to be tolerated. In summary, the available evidence is currently insufficient to determine the role of this variant in disease. Therefore, it has been classified as a Variant of Uncertain Significance.

Blueprint Genetics
Classification: Likely benign. Last evaluated: 2022-08-31. Review status: criteria provided, single submitter. Criteria: ACMG Guidelines, 2015. Collection method: clinical testing. Allele origin: germline.